The following is an entry in ClinVar:

NM_000341.4(SLC3A1):c.1398C>T (p.Asn466=)

Gene: SLC3A1 (solute carrier family 3 member 1; plus strand). Cytogenetic location: 2p21.
Variant type: single nucleotide variant.
Coding change: c.1398C>T on transcript NM_000341.4 (MANE Select); coding-DNA position 1398, C replaced by T.
Protein change: p.Asn466=; no amino-acid change (asparagine 466 retained).
Molecular consequence: synonymous variant.
Genome position (GRCh38, 1-based): chr2:44,312,651, C>T. VCF-style: chr2-44312651-C-T. GRCh37 (hg19) VCF-style: chr2-44539790-C-T.
Identifiers: ClinVar variation 785747 (VCV000785747.41), dbSNP rs140821819, ClinGen allele CA1640576.

ClinVar aggregate classification (germline): Conflicting classifications of pathogenicity. Review status: criteria provided, conflicting classifications (1 of 4 stars). 6 submissions from 6 submitters: Uncertain significance (1); Benign (1); Likely benign (2). 2 of the submissions do not count toward it. Last evaluated 2025-12-31.

Conditions:
Cystinuria (CSNU). Also called: CYSTINURIA, TYPE I; CYSTINURIA, TYPE II; CYSTINURIA, TYPE III; Cystinuria, non-type I. Identifiers: Orphanet 214, MedGen C0010691, MONDO:0009067, OMIM 220100, HP:0003131.

Allele frequency attached by ClinVar (database versions not stated): 1000 Genomes Project 30x 0.00031; 1000 Genomes Project 0.00040; gnomAD 0.00203 and 0.00211; gnomAD exomes 0.00210; TOPMed 0.00217; ExAC 0.00230; ESP Exome Variant Server 0.00231.
gnomAD v4.1: 5,035 of 1,613,864 alleles (0.31%); highest among the groups gnomAD compares: Non-Finnish European, 0.39%; 6 homozygotes.

Submissions (6):

Labcorp Genetics (formerly Invitae), Labcorp
Classification: Benign for Cystinuria. Last evaluated: 2025-12-31. Review status: criteria provided, single submitter. Criteria: Invitae Variant Classification Sherloc (09022015). Collection method: clinical testing. Allele origin: germline.

Blueprint Genetics
Classification: Likely benign. Last evaluated: 2024-11-07. Review status: criteria provided, single submitter. Criteria: ACMG Guidelines, 2015. Collection method: clinical testing. Allele origin: germline.

CeGaT Center for Human Genetics Tuebingen
Classification: Likely benign. Last evaluated: 2023-02-01. Review status: criteria provided, single submitter. Criteria: CeGaT Center For Human Genetics Tuebingen Variant Classification Criteria Version 2. Collection method: clinical testing. Allele origin: germline. Affected: yes. Observed: 1 variant allele.
Comment: SLC3A1: BP4, BP7

Illumina Laboratory Services, Illumina
Classification: Uncertain significance for Cystinuria. Last evaluated: 2017-04-27. Review status: criteria provided, single submitter. Criteria: ICSL Variant Classification Criteria 13 December 2019. Collection method: clinical testing. Allele origin: germline.
Comment: This variant was observed as part of a predisposition screen in an ostensibly healthy population. A literature search was performed for the gene, cDNA change, and amino acid change (where applicable). Publications were found based on this search. However, the evidence from the literature, in combination with allele frequency data from public databases where available, was not sufficient to rule this variant in or out of causing disease. Therefore, this variant is classified as a variant of unknown significance.

Clinical Genetics DNA and cytogenetics Diagnostics Lab, Erasmus MC, Erasmus Medical Center
Classification: Likely benign. Review status: no assertion criteria provided. Collection method: clinical testing. Allele origin: germline. Affected: yes. Study: VKGL Data-share Consensus. Not counted in ClinVar's aggregate classification.

Genome Diagnostics Laboratory, University Medical Center Utrecht
Classification: Benign. Review status: no assertion criteria provided. Collection method: clinical testing. Allele origin: germline. Affected: yes. Study: VKGL Data-share Consensus. Not counted in ClinVar's aggregate classification.

Literature cited by the submitters: PubMed 18947684 (cited by Illumina Laboratory Services, Illumina).